The following is an entry in ClinVar:

ClinVar aggregate classification (germline): Likely benign. Review status: criteria provided, multiple submitters, no conflicts (2 of 4 stars). 3 submissions from 3 submitters: Likely benign (2). 1 of the submissions does not count toward it. Last evaluated 2024-11-27.

Allele frequency attached by ClinVar (database versions not stated): 1000 Genomes Project 0.00240; 1000 Genomes Project 30x 0.00250; gnomAD 0.00456; TOPMed 0.00468; ExAC 0.00487; ESP Exome Variant Server 0.00516; gnomAD exomes 0.00665.
gnomAD v4.1: 10,292 of 1,607,360 alleles (0.64%); highest among the groups gnomAD compares: Non-Finnish European, 0.81%; 29 homozygotes.

Submissions (3):

Blueprint Genetics
Classification: Likely benign. Last evaluated: 2024-11-27. Review status: criteria provided, single submitter. Criteria: ACMG Guidelines, 2015. Collection method: clinical testing. Allele origin: germline.

CeGaT Center for Human Genetics Tuebingen
Classification: Likely benign. Last evaluated: 2022-03-01. Review status: criteria provided, single submitter. Criteria: CeGaT Center For Human Genetics Tuebingen Variant Classification Criteria Version 2. Collection method: clinical testing. Allele origin: germline. Affected: yes. Observed: 1 variant allele.
Comment: RBBP6: BP4, BP7

Genetic Services Laboratory, University of Chicago
Classification: Benign. Last evaluated: 2022-11-21. Review status: no assertion criteria provided. Collection method: clinical testing. Allele origin: germline. Affected: no. Not counted in ClinVar's aggregate classification.

NM_006910.5(RBBP6):c.504A>C (p.Gly168=)

Gene: RBBP6 (RB binding protein 6, ubiquitin ligase; plus strand). Cytogenetic location: 16p12.1.
Variant type: single nucleotide variant.
Coding change: c.504A>C on transcript NM_006910.5 (MANE Select); coding-DNA position 504, A replaced by C.
Protein change: p.Gly168=; no amino-acid change (glycine 168 retained).
Molecular consequence: synonymous variant.
Genome position (GRCh38, 1-based): chr16:24,555,887, A>C. VCF-style: chr16-24555887-A-C. GRCh37 (hg19) VCF-style: chr16-24567208-A-C.
Other names: c.504A>C, p.Gly168= (NM_018703.4).
Identifiers: ClinVar variation 2443232 (VCV002443232.27), dbSNP rs61759886, ClinGen allele CA7967136.
Genomic context (GRCh38, chr16:24,555,887, plus strand): 5'-GAAGAAACCTCTAGGTCCACCACCTCCATCTTACACGTGTTTCCGTTGTGGTAAACCTGG[A>C]CATTATATTAAGAATTGCCCAACAAATGGGGTAAGTTCAAAGCAGAAACTATGGTATATC-3'
Protein context (NP_008841.2, residues 158-178): SYTCFRCGKP[Gly168=]HYIKNCPTNG